The following is an entry in ClinVar:

NM_001267550.2(TTN):c.89593G>A (p.Gly29865Ser)

Genes: TTN (titin; minus strand), TTN-AS1 (TTN antisense RNA 1; plus strand). Cytogenetic location: 2q31.2.
Variant type: single nucleotide variant.
Coding change: c.89593G>A on transcript NM_001267550.2 (MANE Select); coding-DNA position 89593, G replaced by A.
Protein change: p.Gly29865Ser; replaces glycine 29865 with serine.
Molecular consequence: missense variant.
Genome position (GRCh38, 1-based): chr2:178,553,307, C>T on the plus strand (G>A on the coding strand, the complement: TTN is on the minus strand). VCF-style: chr2-178553307-C-T. GRCh37 (hg19) VCF-style: chr2-179418034-C-T.
Other names: c.84670G>A, p.Gly28224Ser (NM_001256850.1); c.62398G>A, p.Gly20800Ser (NM_003319.4); c.81889G>A, p.Gly27297Ser (NM_133378.4); c.62773G>A, p.Gly20925Ser (NM_133432.3); c.62974G>A, p.Gly20992Ser (NM_133437.4); short protein forms G20800S, G20925S, G20992S, G27297S, G28224S, G29865S.
Identifiers: ClinVar variation 3051922 (VCV003051922.2), dbSNP rs2469320681, ClinGen allele CA349517481.

ClinVar aggregate classification (germline): Uncertain significance (0 of 4 stars; one submission).

Conditions:
TTN-related disorder. Also called: TTN-related condition; TTN-related disease; TTN-related disorders.

gnomAD v4.1: 2 of 1,607,308 alleles (0.00012%); highest among the groups gnomAD compares: South Asian, 0.0022%; no homozygotes.

Submission:

PreventionGenetics, part of Exact Sciences
Classification: Uncertain significance for TTN-related condition. Last evaluated: 2024-01-29. Review status: no assertion criteria provided. Collection method: clinical testing. Allele origin: germline.
Comment: The TTN c.89593G>A variant is predicted to result in the amino acid substitution p.Gly29865Ser. To our knowledge, this variant has not been reported in the literature or in a large population database, indicating this variant is rare. At this time, the clinical significance of this variant is uncertain due to the absence of conclusive functional and genetic evidence.